The following is an entry in ClinVar:

ClinVar aggregate classification (germline): Uncertain significance (1 of 4 stars; one submission).

Conditions:
Retinoblastoma (RB1). Also called: RETINOBLASTOMA, SOMATIC. Identifiers: Orphanet 790, MedGen C0035335, MeSH D012175, MONDO:0008380, OMIM 180200, HP:0009919. Disease mechanism: loss of function. Inheritance: Both sporadic and heritable forms are tested..

Submission:

Labcorp Genetics (formerly Invitae), Labcorp
Classification: Uncertain significance for Retinoblastoma. Last evaluated: 2022-08-31. Review status: criteria provided, single submitter. Criteria: Invitae Variant Classification Sherloc (09022015). Collection method: clinical testing. Allele origin: germline.
Comment: This variant is not present in population databases (gnomAD no frequency). This sequence change falls in intron 21 of the RB1 gene. It does not directly change the encoded amino acid sequence of the RB1 protein. It affects a nucleotide within the consensus splice site. This variant has not been reported in the literature in individuals affected with RB1-related conditions. Variants that disrupt the consensus splice site are a relatively common cause of aberrant splicing (PMID: 17576681, 9536098). Algorithms developed to predict the effect of sequence changes on RNA splicing suggest that this variant may disrupt the consensus splice site. In summary, the available evidence is currently insufficient to determine the role of this variant in disease. Therefore, it has been classified as a Variant of Uncertain Significance.

Literature cited by the submitters: PubMed 17576681; PubMed 9536098.

NM_000321.3(RB1):c.2212-3C>G

Gene: RB1 (RB transcriptional corepressor 1; plus strand). Cytogenetic location: 13q14.2.
Variant type: single nucleotide variant.
Coding change: c.2212-3C>G on transcript NM_000321.3 (MANE Select); 3 bases into the intron before coding-DNA position 2212, C replaced by G.
Molecular consequence: intron variant.
Genome position (GRCh38, 1-based): chr13:48,464,995, C>G. VCF-style: chr13-48464995-C-G. GRCh37 (hg19) VCF-style: chr13-49039131-C-G.
Identifiers: ClinVar variation 2028143 (VCV002028143.4), dbSNP rs2138344493, ClinGen allele CA2580087665.